The following is an entry in ClinVar:

NM_002334.4(LRP4):c.5374T>C (p.Tyr1792His)

Genes: LRP4 (LDL receptor related protein 4; minus strand), LRP4-AS1 (LRP4 antisense RNA 1; plus strand). Cytogenetic location: 11p11.2.
Variant type: single nucleotide variant.
Coding change: c.5374T>C on transcript NM_002334.4 (MANE Select); coding-DNA position 5374, T replaced by C.
Protein change: p.Tyr1792His; replaces tyrosine 1792 with histidine.
Molecular consequence: missense variant.
Genome position (GRCh38, 1-based): chr11:46,862,617, A>G on the plus strand (T>C on the coding strand, the complement: LRP4 is on the minus strand). VCF-style: chr11-46862617-A-G. GRCh37 (hg19) VCF-style: chr11-46884168-A-G.
Other names: c.5374T>C (NM_002334.3); short protein forms Y1792H.
Identifiers: ClinVar variation 1522531 (VCV001522531.4), dbSNP rs146542222, ClinGen allele CA5969055.

ClinVar aggregate classification (germline): Uncertain significance. Review status: criteria provided, multiple submitters, no conflicts (2 of 4 stars). 2 submissions from 2 submitters: Uncertain significance (2). Last evaluated 2023-04-04.

Conditions:
Inborn genetic diseases. Identifiers: MedGen C0950123, MeSH D030342.
Sclerosteosis 2 (SOST2). Identifiers: Orphanet 3152, MedGen C3280402, MONDO:0013679, OMIM 614305.
Cenani-Lenz syndactyly syndrome. Also called: SYNDACTYLY, TYPE VII; CENANI SYNDACTYLISM. Identifiers: Orphanet 3258, MedGen C1859309, MONDO:0008931, OMIM 212780.
Congenital myasthenic syndrome 17. Identifiers: Orphanet 590, MedGen C4225377, MONDO:0014578, OMIM 616304.

Allele frequency attached by ClinVar (database versions not stated): ExAC 0.00002; gnomAD exomes 0.00002; TOPMed 0.00002; gnomAD 0.00004; ESP Exome Variant Server 0.00023.

Submissions (2):

Ambry Genetics
Classification: Uncertain significance for Inborn genetic diseases. Last evaluated: 2023-04-04. Review status: criteria provided, single submitter. Criteria: Ambry Variant Classification Scheme 2023. Collection method: clinical testing. Allele origin: germline.

Labcorp Genetics (formerly Invitae), Labcorp
Classification: Uncertain significance for Cenani-Lenz syndactyly syndrome; Sclerosteosis 2; Congenital myasthenic syndrome 17. Last evaluated: 2021-11-27. Review status: criteria provided, single submitter. Criteria: Invitae Variant Classification Sherloc (09022015). Collection method: clinical testing. Allele origin: germline.
Comment: This sequence change replaces tyrosine, which is neutral and polar, with histidine, which is basic and polar, at codon 1792 of the LRP4 protein (p.Tyr1792His). This variant is present in population databases (rs146542222, gnomAD 0.02%). This variant has not been reported in the literature in individuals affected with LRP4-related conditions. Algorithms developed to predict the effect of missense changes on protein structure and function are either unavailable or do not agree on the potential impact of this missense change (SIFT: "Deleterious"; PolyPhen-2: "Benign"; Align-GVGD: "Class C0"). In summary, the available evidence is currently insufficient to determine the role of this variant in disease. Therefore, it has been classified as a Variant of Uncertain Significance.